The following is an entry in ClinVar:

NM_006118.4(HAX1):c.663+5G>C

Gene: HAX1 (HCLS1 associated protein X-1; plus strand). Cytogenetic location: 1q21.3.
Variant type: single nucleotide variant.
Coding change: c.663+5G>C on transcript NM_006118.4 (MANE Select); 5 bases into the intron after coding-DNA position 663, G replaced by C.
Molecular consequence: intron variant.
Genome position (GRCh38, 1-based): chr1:154,275,265, G>C. VCF-style: chr1-154275265-G-C. GRCh37 (hg19) VCF-style: chr1-154247741-G-C.
Other names: c.519+5G>C (NM_001018837.2).
Identifiers: ClinVar variation 1940809 (VCV001940809.5), dbSNP rs2524938241, ClinGen allele CA2580061082.

ClinVar aggregate classification (germline): Uncertain significance (1 of 4 stars; one submission).

Conditions:
Kostmann syndrome (SCN3). Also called: KOSTMANN DISEASE; Autosomal recessive severe congenital neutropenia type 3. Identifiers: Orphanet 99749, MedGen C5235141, MONDO:0012548, OMIM 610738.

Submission:

Labcorp Genetics (formerly Invitae), Labcorp
Classification: Uncertain significance for Kostmann syndrome. Last evaluated: 2024-04-29. Review status: criteria provided, single submitter. Criteria: Invitae Variant Classification Sherloc (09022015). Collection method: clinical testing. Allele origin: germline.
Comment: This sequence change falls in intron 5 of the HAX1 gene. It does not directly change the encoded amino acid sequence of the HAX1 protein. It affects a nucleotide within the consensus splice site. This variant is not present in population databases (gnomAD no frequency). This variant has not been reported in the literature in individuals affected with HAX1-related conditions. ClinVar contains an entry for this variant (Variation ID: 1940809). Variants that disrupt the consensus splice site are a relatively common cause of aberrant splicing (PMID: 17576681, 9536098). Algorithms developed to predict the effect of sequence changes on RNA splicing suggest that this variant may disrupt the consensus splice site. In summary, the available evidence is currently insufficient to determine the role of this variant in disease. Therefore, it has been classified as a Variant of Uncertain Significance.

Literature cited by the submitters: PubMed 17576681; PubMed 9536098.